The following is an entry in ClinVar:

ClinVar aggregate classification (germline): Pathogenic (1 of 4 stars; one submission).

Conditions:
X-linked mixed hearing loss with perilymphatic gusher. Also called: Deafness, X-linked 2; NANCE DEAFNESS; PERILYMPHATIC GUSHER-DEAFNESS SYNDROME; SENSORINEURAL DEAFNESS, PROFOUND, WITH OR WITHOUT A CONDUCTIVE COMPONENT, ASSOCIATED WITH A UNIQUE DEVELOPMENTAL ABNORMALITY OF THE EAR; Gusher syndrome. Identifiers: Orphanet 383, MedGen C1844678, MONDO:0010576, OMIM 304400.

Submission:

Institute of Rare Diseases, West China Hospital, Sichuan University
Classification: Pathogenic for X-linked mixed hearing loss with perilymphatic gusher. Last evaluated: 2025-01-09. Review status: criteria provided, single submitter. Criteria: ClinGen HL ACMG Specifications v1. Collection method: research. Allele origin: germline. Affected: yes.
Comment: PM1;PVS1;PM3_Supporting;PP4;PM2_Supporting

NM_000307.5(POU3F4):c.709del (p.Ala237fs)

Gene: POU3F4 (POU class 3 homeobox 4; plus strand). Cytogenetic location: Xq21.1.
Variant type: Deletion.
Coding change: c.709del on transcript NM_000307.5 (MANE Select); coding-DNA position 709, one base deleted (G; older notation c.709delG).
Protein change: p.Ala237fs; shifts the reading frame from alanine 237.
Molecular consequence: frameshift variant.
Genome position (GRCh38, 1-based): chrX:83,509,033, G deleted; the last of 2 consecutive G bases (chrX:83,509,032-83,509,033); deleting either gives the same sequence. VCF-style (leftmost placement, unchanged base first): chrX-83509031-AG-A. GRCh37 (hg19) VCF-style: chrX-82764038-GA-G.
Other names: c.708del (NM_000307.5); short protein forms A237fs.
Identifiers: ClinVar variation 3601674 (VCV003601674.1).